The following is an entry in ClinVar:

NM_032043.3(BRIP1):c.93+2del

Gene: BRIP1 (BRCA1 interacting DNA helicase 1; minus strand). Cytogenetic location: 17q23.2.
Variant type: Deletion.
Coding change: c.93+2del on transcript NM_032043.3 (MANE Select); the canonical splice donor site of the intron after coding-DNA position 93, one base deleted (T; older notation c.93+2delT).
Molecular consequence: splice donor variant.
Genome position (GRCh38, 1-based): chr17:61,861,445, A deleted on the plus strand (T on the coding strand, the reverse complement: BRIP1 is on the minus strand). VCF-style (leftmost placement, unchanged base first): chr17-61861444-TA-T. GRCh37 (hg19) VCF-style: chr17-59938805-TA-T.
Other names: c.93+2delT (NM_032043.3).
Identifiers: ClinVar variation 1766505 (VCV001766505.8), dbSNP rs2145863423, ClinGen allele CA2580094657.

ClinVar aggregate classification (germline): Pathogenic/Likely pathogenic. Review status: criteria provided, multiple submitters, no conflicts (2 of 4 stars). 5 submissions from 5 submitters: Pathogenic (1); Likely pathogenic (4). Last evaluated 2025-11-17.

Conditions:
Fanconi anemia complementation group J. Also called: BRIP1-Related Fanconi Anemia. Identifiers: Orphanet 84, MedGen C1836860, MONDO:0012187, OMIM 609054.
Hereditary cancer-predisposing syndrome. Also called: Neoplastic Syndromes, Hereditary; Tumor predisposition; Hereditary neoplastic syndrome; Hereditary Cancer Syndrome. Identifiers: Orphanet 140162, MedGen C0027672, MeSH D009386, MONDO:0015356.
Familial cancer of breast. Also called: BREAST CANCER, FAMILIAL; Hereditary breast cancer; hereditary breast carcinoma. Identifiers: Orphanet 227535, MedGen C0346153, MONDO:0016419, OMIM 114480. Disease mechanism: loss of function.

Submissions (5):

Ambry Genetics
Classification: Likely pathogenic for Hereditary cancer-predisposing syndrome. Last evaluated: 2025-11-17. Review status: criteria provided, single submitter. Criteria: Ambry Variant Classification Scheme 2023. Collection method: clinical testing. Allele origin: germline.
Comment: The c.93+2delT intronic variant, located in intron 1 of the BRIP1 gene, results from a deletion of one nucleotide within intron 1 of the BRIP1 gene. This nucleotide position is highly conserved in available vertebrate species. In silico splice site analysis predicts that this alteration will weaken the native splice donor site; however direct evidence is insufficient at this time (Ambry internal data). Alterations that disrupt the canonical splice site are expected to cause aberrant splicing, resulting in an abnormal protein or a transcript that is subject to nonsense-mediated mRNA decay. As such, this alteration is classified as likely pathogenic.

Variantyx, Inc.
Classification: Pathogenic for Fanconi anemia complementation group J. Last evaluated: 2025-10-27. Review status: criteria provided, single submitter. Criteria: Variantyx Assertion Criteria 2022. Collection method: clinical testing. Allele origin: germline. Inheritance: Autosomal recessive inheritance. Affected: no.
Comment: This is a canonical splicing variant in the BRIP1 gene (OMIM: 605882). Pathogenic variants in this gene have been associated with autosomal dominant and autosomal recessive BRIP1-related disorders. This splicing variant is expected to result in loss of function, which is a known disease mechanism for BRIP1 in this disorder (PMID: 26720728, 26315354, 33471991, 29368626) (PVS1). The alteration is absent from control populations (PM2), but alternate pathogenic and likely pathogenic variants at the same canonical splice site (c.93+2dup, c.93+2T>C, c.93+1G>C, and c.93+1G>A) were reported in association with BRIP1-related disorders in ClinVar (PS1_Supporting). Based on the current evidence, this variant is classified as pathogenic for autosomal dominant and autosomal recessive BRIP1-related disorders.

Labcorp Genetics (formerly Invitae), Labcorp
Classification: Likely pathogenic for Familial cancer of breast; Fanconi anemia complementation group J. Last evaluated: 2024-04-15. Review status: criteria provided, single submitter. Criteria: Invitae Variant Classification Sherloc (09022015). Collection method: clinical testing. Allele origin: germline.
Comment: This sequence change affects a splice site in intron 2 of the BRIP1 gene. It is expected to disrupt RNA splicing. Variants that disrupt the donor or acceptor splice site typically lead to a loss of protein function (PMID: 16199547), and loss-of-function variants in BRIP1 are known to be pathogenic (PMID: 16116423, 17033622, 21964575). This variant is not present in population databases (gnomAD no frequency). This variant has not been reported in the literature in individuals affected with BRIP1-related conditions. ClinVar contains an entry for this variant (Variation ID: 1766505). Algorithms developed to predict the effect of sequence changes on RNA splicing suggest that this variant may disrupt the consensus splice site. In summary, the currently available evidence indicates that the variant is pathogenic, but additional data are needed to prove that conclusively. Therefore, this variant has been classified as Likely Pathogenic.

Myriad Genetics, Inc.
Classification: Likely pathogenic for Familial cancer of breast. Last evaluated: 2023-12-27. Review status: criteria provided, single submitter. Criteria: Myriad Autosomal Dominant, Autosomal Recessive and X-Linked Classification Criteria (2023). Collection method: clinical testing. Allele origin: unknown.
Comment: This variant is considered likely pathogenic. This variant occurs within a consensus splice junction and is predicted to result in abnormal mRNA splicing of either an out-of-frame exon or an in-frame exon necessary for protein stability and/or normal function.

Baylor Genetics
Classification: Likely pathogenic for Familial cancer of breast. Last evaluated: 2022-01-14. Review status: criteria provided, single submitter. Criteria: ACMG Guidelines, 2015. Collection method: clinical testing. Allele origin: unknown.

Literature cited by the submitters: PubMed 26720728 (cited by Variantyx, Inc.); PubMed 26315354 (cited by Variantyx, Inc.); PubMed 33471991 (cited by Variantyx, Inc.); PubMed 29368626 (cited by Variantyx, Inc.); PubMed 16199547 (cited by Labcorp Genetics (formerly Invitae), Labcorp); PubMed 16116423 (cited by Labcorp Genetics (formerly Invitae), Labcorp); PubMed 17033622 (cited by Labcorp Genetics (formerly Invitae), Labcorp); PubMed 21964575 (cited by Labcorp Genetics (formerly Invitae), Labcorp).